The following is an entry in ClinVar:

ClinVar aggregate classification (germline): Pathogenic. Review status: criteria provided, multiple submitters, no conflicts (2 of 4 stars). 2 submissions from 2 submitters: Pathogenic (2). Last evaluated 2026-01-02.

Conditions:
Inborn genetic diseases. Identifiers: MedGen C0950123, MeSH D030342.

Submissions (2):

Ambry Genetics
Classification: Pathogenic for Inborn genetic diseases. Last evaluated: 2026-01-02. Review status: criteria provided, single submitter. Criteria: Ambry Variant Classification Scheme 2023. Collection method: clinical testing. Allele origin: germline.
Comment: The c.777_778delAA pathogenic mutation, located in coding exon 3 of the MBD4 gene, results from a deletion of two nucleotides at nucleotide positions 777 to 778, causing a translational frameshift with a predicted alternate stop codon (p.S260*). This alteration is expected to result in loss of function by premature protein truncation or nonsense-mediated mRNA decay. This variant is considered to be rare based on population cohorts in the Genome Aggregation Database (gnomAD). As such, this alteration is interpreted as a disease-causing mutation.

Labcorp Genetics (formerly Invitae), Labcorp
Classification: Pathogenic. Last evaluated: 2025-11-05. Review status: criteria provided, single submitter. Criteria: Invitae Variant Classification Sherloc (09022015). Collection method: clinical testing. Allele origin: germline.
Comment: This sequence change creates a premature translational stop signal (p.Ser260*) in the MBD4 gene. It is expected to result in an absent or disrupted protein product. Loss-of-function variants in MBD4 are known to be pathogenic (PMID: 30049810, 35460607). This variant is not present in population databases (gnomAD no frequency). This variant has not been reported in the literature in individuals affected with MBD4-related conditions. For these reasons, this variant has been classified as Pathogenic.

Literature cited by the submitters: PubMed 30049810 (cited by Labcorp Genetics (formerly Invitae), Labcorp); PubMed 35460607 (cited by Labcorp Genetics (formerly Invitae), Labcorp).

NM_001276270.2(MBD4):c.777_778del (p.Gln259_Ser260insTer)

Gene: MBD4 (methyl-CpG binding domain 4, DNA glycosylase; minus strand). Cytogenetic location: 3q21.3.
Variant type: Deletion.
Coding change: c.777_778del on transcript NM_001276270.2 (MANE Select); coding-DNA positions 777 to 778, 2 bases deleted (AA; older notation c.777_778delAA).
Protein change: p.Gln259_Ser260insTer.
Molecular consequence: frameshift variant. On other transcripts: intron variant (1).
Genome position (GRCh38, 1-based): chr3:129,436,866-129,436,867, TT deleted on the plus strand (AA on the coding strand, the reverse complement: MBD4 is on the minus strand); deleting any 2 consecutive bases within chr3:129,436,866-129,436,868 gives the same sequence; the c. name uses the placement nearest the transcript's 3' end. VCF-style (leftmost placement, unchanged base first): chr3-129436865-CTT-C. GRCh37 (hg19) VCF-style: chr3-129155708-CTT-C.
Other names: c.777_778delAA (NM_001276270.2); c.777_778del, p.Gln259_Ser260insTer (NM_001276271.2, NM_001276272.2, NM_003925.3); c.247+941_247+942del (NM_001276273.2).
Identifiers: ClinVar variation 4730522 (VCV004730522.2).
Genomic context (GRCh38, chr3:129,436,865, plus strand): 5'-TGTGCAACAGGTTCACTTTCAGCATCTGCTTTATTACACACAGATTCTCTTTTGCTATCA[CTT>C]TGAACAAAACCTGAACAGCTCTTCCTACATCCTTTTTTAGTTTTCTTAATTGGGATTCCT-3'